The following is an entry in ClinVar:

NM_001145809.2(MYH14):c.236A>T (p.Glu79Val)

Gene: MYH14 (myosin heavy chain 14; plus strand). Cytogenetic location: 19q13.33.
Variant type: single nucleotide variant.
Coding change: c.236A>T on transcript NM_001145809.2 (MANE Select); coding-DNA position 236, A replaced by T.
Protein change: p.Glu79Val; replaces glutamic acid 79 with valine.
Molecular consequence: missense variant.
Genome position (GRCh38, 1-based): chr19:50,210,601, A>T. VCF-style: chr19-50210601-A-T. GRCh37 (hg19) VCF-style: chr19-50713858-A-T.
Other names: c.236A>T, p.Glu79Val (NM_001077186.2, NM_024729.4); short protein forms E79V.
Identifiers: ClinVar variation 2582150 (VCV002582150.2), dbSNP rs773341104, ClinGen allele CA9592215.

ClinVar aggregate classification (germline): Uncertain significance. Review status: criteria provided, multiple submitters, no conflicts (2 of 4 stars). 2 submissions from 2 submitters: Uncertain significance (2). Last evaluated 2025-06-19.

Conditions:
Inborn genetic diseases. Identifiers: MedGen C0950123, MeSH D030342.

Allele frequency attached by ClinVar (database versions not stated): gnomAD exomes below 0.00001.
gnomAD v4.1: 1 of 1,572,522 alleles (0.000064%); highest among the groups gnomAD compares: Admixed American, 0.0019%; no homozygotes.

Submissions (2):

Ambry Genetics
Classification: Uncertain significance for Inborn genetic diseases. Last evaluated: 2025-06-19. Review status: criteria provided, single submitter. Criteria: Ambry Variant Classification Scheme 2023. Collection method: clinical testing. Allele origin: germline.

GeneDx
Classification: Uncertain significance. Last evaluated: 2023-03-30. Review status: criteria provided, single submitter. Criteria: GeneDx Variant Classification Process June 2021. Collection method: clinical testing. Allele origin: germline. Affected: yes.
Comment: Not observed at significant frequency in large population cohorts (gnomAD); In silico analysis supports that this missense variant does not alter protein structure/function; Has not been previously published as pathogenic or benign to our knowledge